The following is an entry in ClinVar:

NM_012281.3(KCND2):c.1857C>G (p.Tyr619Ter)

Gene: KCND2 (potassium voltage-gated channel subfamily D member 2; plus strand). Cytogenetic location: 7q31.31.
Variant type: single nucleotide variant.
Coding change: c.1857C>G on transcript NM_012281.3 (MANE Select); coding-DNA position 1857, C replaced by G.
Protein change: p.Tyr619Ter; replaces tyrosine 619 with a stop codon.
Molecular consequence: nonsense.
Genome position (GRCh38, 1-based): chr7:120,747,822, C>G. VCF-style: chr7-120747822-C-G. GRCh37 (hg19) VCF-style: chr7-120387876-C-G.
Other names: short protein forms Y619*.
Identifiers: ClinVar variation 3680056 (VCV003680056.2).

ClinVar aggregate classification (germline): Uncertain significance (1 of 4 stars; one submission).

Conditions:
Early Myoclonic Encephalopathy. Identifiers: MedGen C0270855.

gnomAD v4.1: 2 of 1,612,340 alleles (0.00012%); highest among the groups gnomAD compares: Non-Finnish European, 0.00017%; no homozygotes.

Submission:

Labcorp Genetics (formerly Invitae), Labcorp
Classification: Uncertain significance for Early Myoclonic Encephalopathy. Last evaluated: 2024-03-20. Review status: criteria provided, single submitter. Criteria: Invitae Variant Classification Sherloc (09022015). Collection method: clinical testing. Allele origin: germline.
Comment: This sequence change creates a premature translational stop signal (p.Tyr619*) in the KCND2 gene. While this is not anticipated to result in nonsense mediated decay, it is expected to disrupt the last 12 amino acid(s) of the KCND2 protein. This variant is not present in population databases (gnomAD no frequency). This variant has not been reported in the literature in individuals affected with KCND2-related conditions. Experimental studies and prediction algorithms are not available or were not evaluated, and the functional significance of this variant is currently unknown. In summary, the available evidence is currently insufficient to determine the role of this variant in disease. Therefore, it has been classified as a Variant of Uncertain Significance.